The following is an entry in ClinVar:

ClinVar aggregate classification (germline): Conflicting classifications of pathogenicity. Review status: criteria provided, conflicting classifications (1 of 4 stars). 5 submissions from 5 submitters: Uncertain significance (2); Likely benign (3). Last evaluated 2025-11-10.

Conditions:
Cardiovascular phenotype. Identifiers: MedGen CN230736.
Duchenne muscular dystrophy (DMD). Also called: MUSCULAR DYSTROPHY, PSEUDOHYPERTROPHIC PROGRESSIVE, DUCHENNE TYPE; Duchenne Muscular Dystrophy (DMD). Identifiers: Orphanet 98896, MedGen C0013264, MONDO:0010679, OMIM 310200.

Allele frequency attached by ClinVar (database versions not stated): TOPMed 0.00001; gnomAD exomes 0.00003 and 0.00005; ExAC 0.00004; gnomAD 0.00005.
gnomAD v4.1: 35 of 1,208,662 alleles (0.0029%); highest among the groups gnomAD compares: East Asian, 0.003%; no homozygotes.

Submissions (5):

Labcorp Genetics (formerly Invitae), Labcorp
Classification: Likely benign for Duchenne muscular dystrophy. Last evaluated: 2025-11-10. Review status: criteria provided, single submitter. Criteria: Invitae Variant Classification Sherloc (09022015). Collection method: clinical testing. Allele origin: germline.

CeGaT Center for Human Genetics Tuebingen
Classification: Likely benign. Last evaluated: 2025-09-01. Review status: criteria provided, single submitter. Criteria: CeGaT Center For Human Genetics Tuebingen Variant Classification Criteria Version 2. Collection method: clinical testing. Allele origin: germline. Affected: yes. Observed: 1 variant allele.
Comment: DMD: BP4, BS2

Blueprint Genetics
Classification: Likely benign. Last evaluated: 2021-12-31. Review status: criteria provided, single submitter. Criteria: ACMG Guidelines, 2015. Collection method: clinical testing. Allele origin: germline.

Ambry Genetics
Classification: Uncertain significance for Cardiovascular phenotype. Last evaluated: 2020-10-09. Review status: criteria provided, single submitter. Criteria: Ambry Variant Classification Scheme 2023. Collection method: clinical testing. Allele origin: germline.
Comment: The p.R2951C variant (also known as c.8851C>T), located in coding exon 59 of the DMD gene, results from a C to T substitution at nucleotide position 8851. The arginine at codon 2951 is replaced by cysteine, an amino acid with highly dissimilar properties. Based on data from gnomAD, the T allele has an overall frequency of 0.006% (13/203574) total alleles studied, with 2 hemizygotes observed. The highest observed frequency was 0.05% (10/18512) of European (Finnish) alleles. This amino acid position is well conserved in available vertebrate species. In addition, the in silico prediction for this alteration is inconclusive. Since supporting evidence is limited at this time, the clinical significance of this alteration remains unclear.

Eurofins Ntd Llc (ga)
Classification: Uncertain significance. Last evaluated: 2015-12-04. Review status: criteria provided, single submitter. Criteria: EGL Classification Definitions 2015. Collection method: clinical testing. Allele origin: germline. Observed: 1 variant allele, 1 hemizygote.

NM_004006.3(DMD):c.8851C>T (p.Arg2951Cys)

Gene: DMD (dystrophin; minus strand). Cytogenetic location: Xp21.2.
Variant type: single nucleotide variant.
Coding change: c.8851C>T on transcript NM_004006.3 (MANE Select); coding-DNA position 8851, C replaced by T.
Protein change: p.Arg2951Cys; replaces arginine 2951 with cysteine.
Molecular consequence: missense variant.
Genome position (GRCh38, 1-based): chrX:31,478,192, G>A on the plus strand (C>T on the coding strand, the complement: DMD is on the minus strand). VCF-style: chrX-31478192-G-A. GRCh37 (hg19) VCF-style: chrX-31496309-G-A.
Other names: c.8827C>T, p.Arg2943Cys (NM_000109.4); c.8839C>T, p.Arg2947Cys (NM_004009.3); c.8482C>T, p.Arg2828Cys (NM_004010.3); c.4828C>T, p.Arg1610Cys (NM_004011.4); c.4819C>T, p.Arg1607Cys (NM_004012.4); c.1471C>T, p.Arg491Cys (NM_004013.3, NM_004020.4, NM_004021.3 and 2 more transcripts); c.664C>T, p.Arg222Cys (NM_004014.3); short protein forms R2951C, R1610C, R2828C, R2943C, R1607C, R222C, R2947C, R491C.
Identifiers: ClinVar variation 222548 (VCV000222548.20), dbSNP rs760516307, ClinGen allele CA070630.